The following is an entry in ClinVar:

ClinVar aggregate classification (germline): Conflicting classifications of pathogenicity. Review status: criteria provided, conflicting classifications (1 of 4 stars). 11 submissions from 11 submitters: Uncertain significance (6); Likely benign (3). 2 of the submissions do not count toward it. Last evaluated 2025-10-01.

Conditions:
Hereditary breast ovarian cancer syndrome. Also called: Hereditary breast and ovarian cancer syndrome; Hereditary breast and ovarian cancer; Hereditary breast and ovarian cancer syndrome (HBOC); Breast and ovarian cancer; Hereditary breast and/or ovarian cancer syndrome; BRCA1- and BRCA2-Associated Hereditary Breast and Ovarian Cancer. Identifiers: Orphanet 145, MedGen C0677776, MeSH D061325, MONDO:0003582. Disease mechanism: loss of function.
BRCA2-related cancer predisposition. Identifiers: MedGen CN377758, MONDO:0700269.
Hereditary cancer-predisposing syndrome. Also called: Neoplastic Syndromes, Hereditary; Tumor predisposition; Hereditary neoplastic syndrome; Hereditary Cancer Syndrome. Identifiers: Orphanet 140162, MedGen C0027672, MeSH D009386, MONDO:0015356.
Breast-ovarian cancer, familial, susceptibility to, 2 (BROVCA2). Also called: BRCA2 Hereditary Breast and Ovarian Cancer. Identifiers: Orphanet 145, MedGen C2675520, MONDO:0012933, OMIM 612555. Disease mechanism: loss of function.

Allele frequency attached by ClinVar (database versions not stated): gnomAD exomes 0.00001; TOPMed 0.00001; ExAC 0.00002.
gnomAD v4.1: 11 of 1,611,364 alleles (0.00068%); highest among the groups gnomAD compares: Non-Finnish European, 0.00085%; no homozygotes.

Submissions (11):

Labcorp Genetics (formerly Invitae), Labcorp
Classification: Uncertain significance for Hereditary breast ovarian cancer syndrome. Last evaluated: 2025-10-01. Review status: criteria provided, single submitter. Criteria: Invitae Variant Classification Sherloc (09022015). Collection method: clinical testing. Allele origin: germline.
Comment: This sequence change replaces serine, which is neutral and polar, with phenylalanine, which is neutral and non-polar, at codon 1750 of the BRCA2 protein (p.Ser1750Phe). This variant is present in population databases (rs80358748, gnomAD 0.002%). This missense change has been observed in individual(s) with breast and/or ovarian cancer (PMID: 15800311, 27062684). ClinVar contains an entry for this variant (Variation ID: 51828). Invitae Evidence Modeling of protein sequence and biophysical properties (such as structural, functional, and spatial information, amino acid conservation, physicochemical variation, residue mobility, and thermodynamic stability) indicates that this missense variant is not expected to disrupt BRCA2 protein function with a negative predictive value of 95%. In summary, the available evidence is currently insufficient to determine the role of this variant in disease. Therefore, it has been classified as a Variant of Uncertain Significance.

Ambry Genetics
Classification: Likely benign for Hereditary cancer-predisposing syndrome. Last evaluated: 2025-09-29. Review status: criteria provided, single submitter. Criteria: Ambry Variant Classification Scheme 2023. Collection method: clinical testing. Allele origin: germline.

Molecular Diagnostics Laboratory, Catalan Institute of Oncology
Classification: Likely benign for Hereditary cancer-predisposing syndrome. Last evaluated: 2025-03-06. Review status: criteria provided, single submitter. Criteria: ClinGen BRCA1BRCA2 ACMG Specifications BRCA2 V1.0.0. Collection method: clinical testing. Allele origin: germline.
Comment: BP1_Strong c.5249C>T, located in exon 11 of the BRCA2 gene, is predicted to result in the substitution of Ser by Phe at codon 1750, p.(Ser1750Phe). This position is outside a (potentially) clinically important functional domain and, moreover, the SpliceAI algorithm predicts no significant impact on splicing (BP1_Strong). This variant is found in 2/266269 alleles at a frequency of 0.0008% in the gnomAD v2.1.1 database, non-cancer dataset. This alteration was studied in a multifactorial analysis, yielding a combined LR= 0.53 (PMID: 31131967). In addition, the variant was also identified in the following databases: BRCA Exchange (Not Yet Reviewed), ClinVar (1x likely benign, 7x uncertain significance) and LOVD (5x uncertain significance). Based on currently available information, the variant c.5249C>T should be considered a likely benign variant.

Color Diagnostics, LLC DBA Color Health
Classification: Uncertain significance for Hereditary cancer-predisposing syndrome. Last evaluated: 2024-04-09. Review status: criteria provided, single submitter. Criteria: ACMG Guidelines, 2015. Collection method: clinical testing. Allele origin: germline.
Comment: This missense variant replaces serine with phenylalanine at codon 1750 of the BRCA2 protein. Computational prediction suggests that this variant may not impact protein structure and function. To our knowledge, functional studies have not been reported for this variant. This variant has been detected in three suspected hereditary breast and ovarian cancer families (PMID: 15800311, 27062684, 34572941). This variant also has been detected an individual age 70 years or older without cancer in the FLOSSIES database and in a breast cancer case-control study in 1/53460 unaffected individuals and absent in 60466 cases (PMID: 33471991; Leiden Open Variation Database DB-ID BRCA2_001564). This variant has been identified in 2/249358 chromosomes in the general population by the Genome Aggregation Database (gnomAD). The available evidence is insufficient to determine the role of this variant in disease conclusively. Therefore, this variant is classified as a Variant of Uncertain Significance.

All of Us Research Program, National Institutes of Health
Classification: Uncertain significance for Breast-ovarian cancer, familial, susceptibility to, 2. Last evaluated: 2023-04-03. Review status: criteria provided, single submitter. Criteria: ACMG Guidelines, 2015. Collection method: clinical testing. Allele origin: germline. Inheritance: Autosomal dominant inheritance. Observed: 2 variant alleles, 2 heterozygotes.
Comment: This missense variant replaces serine with phenylalanine at codon 1750 of the BRCA2 protein. Computational prediction suggests that this variant may not impact protein structure and function (internally defined REVEL score threshold <= 0.5, PMID: 27666373). To our knowledge, functional studies have not been reported for this variant. This variant has been detected in three suspected hereditary breast and ovarian cancer families (PMID: 15800311, 27062684, 34572941). This variant also has been detected an individual age 70 years or older without cancer in the FLOSSIES database and in a breast cancer case-control study in 1/53460 unaffected individuals and absent in 60466 cases (PMID: 33471991; Leiden Open Variation Database DB-ID BRCA2_001564). This variant has been identified in 2/249358 chromosomes in the general population by the Genome Aggregation Database (gnomAD). The available evidence is insufficient to determine the role of this variant in disease conclusively. Therefore, this variant is classified as a Variant of Uncertain Significance.

This study involves interpretation of variants in research participants for the purpose of population health screening. Participant phenotype was not available at the time of variant classification. Additional details can be found in publication PMID: 35346344, PMCID: PMC8962531

University of Washington Department of Laboratory Medicine, University of Washington
Classification: Likely benign for Hereditary cancer-predisposing syndrome. Last evaluated: 2023-03-23. Review status: criteria provided, single submitter. Criteria: Dines et al. (Genet Med. 2020). Collection method: curation. Allele origin: germline.
Comment: Missense variant in a coldspot region where missense variants are very unlikely to be pathogenic (PMID:31911673).

BRCA2 exon 11 coldspot. Reclassification based on statistical prior probability.

GeneDx
Classification: Uncertain significance. Last evaluated: 2023-03-06. Review status: criteria provided, single submitter. Criteria: GeneDx Variant Classification Process June 2021. Collection method: clinical testing. Allele origin: germline. Affected: yes.
Comment: Observed in individuals with a personal and/or family history of breast and/or ovarian cancer, including an individual also reported to carry a pathogenic variant in BRCA1 or BRCA2 (Gmez-Garca et al., 2005; Azzollini et al., 2016); Observed in individuals undergoing panel testing for hereditary breast, melanoma, and other cancers, as well as in controls (Pritchard et al., 2018; Li et al., 2020; Dorling et al., 2021); In silico analysis supports that this missense variant does not alter protein structure/function; Not observed at significant frequency in large population cohorts (gnomAD); Also known as 5477C>T; This variant is associated with the following publications: (PMID: 15800311, 27062684, 31131967, 32377563, 33471991, 29884841, 31853058, 29641532)

Department of Pathology and Laboratory Medicine, Sinai Health System
Classification: Uncertain significance for BRCA2-related cancer predisposition. Last evaluated: 2022-08-09. Review status: criteria provided, single submitter. Criteria: ACMG Guidelines, 2015. Collection method: clinical testing. Allele origin: germline.

Quest Diagnostics Nichols Institute San Juan Capistrano
Classification: Uncertain significance. Last evaluated: 2016-09-23. Review status: criteria provided, single submitter. Criteria: Quest Diagnostics criteria. Collection method: clinical testing. Allele origin: germline.

Counsyl
Classification: Uncertain significance for Breast-ovarian cancer, familial, susceptibility to, 2. Last evaluated: 2017-08-16. Review status: no assertion criteria provided. Collection method: clinical testing. Allele origin: unknown. Not counted in ClinVar's aggregate classification.

Breast Cancer Information Core (BIC) (BRCA2)
Classification: Uncertain significance for Breast-ovarian cancer, familial 2. Review status: no assertion criteria provided. Collection method: clinical testing. Allele origin: germline. Affected: yes. Observed: 1 variant allele. Not counted in ClinVar's aggregate classification.

Literature cited by the submitters: PubMed 15800311 (cited by 5 submitters); PubMed 27062684 (cited by 6 submitters); PubMed 29641532 (cited by Ambry Genetics); PubMed 33471991 (cited by 3 submitters); PubMed 34572941 (cited by Color Diagnostics, LLC DBA Color Health and All of Us Research Program, National Institutes of Health); PubMed 15801311 (cited by Department of Pathology and Laboratory Medicine, Sinai Health System).

NM_000059.4(BRCA2):c.5249C>T (p.Ser1750Phe)

Gene: BRCA2 (BRCA2 DNA repair associated; plus strand). Cytogenetic location: 13q13.1.
Variant type: single nucleotide variant.
Coding change: c.5249C>T on transcript NM_000059.4 (MANE Select); coding-DNA position 5249, C replaced by T.
Protein change: p.Ser1750Phe; replaces serine 1750 with phenylalanine.
Molecular consequence: missense variant.
Genome position (GRCh38, 1-based): chr13:32,339,604, C>T. VCF-style: chr13-32339604-C-T. GRCh37 (hg19) VCF-style: chr13-32913741-C-T.
Other names: short protein forms S1750F.
Identifiers: ClinVar variation 51828 (VCV000051828.29), dbSNP rs80358748, ClinGen allele CA021849.
Genomic context (GRCh38, chr13:32,339,604, plus strand): 5'-ATCATCTCTCCGAAAAACAAGATACTTATTTAAGTAACAGTAGCATGTCTAACAGCTATT[C>T]CTACCATTCTGATGAGGTATATAATGATTCAGGATATCTCTCAAAAAATAAACTTGATTC-3'
Protein context (NP_000050.3, residues 1740-1760): LSNSSMSNSY[Ser1750Phe]YHSDEVYNDS